The following is an entry in ClinVar:

ClinVar aggregate classification (germline): Uncertain significance (1 of 4 stars; one submission).

Conditions:
Familial thoracic aortic aneurysm and aortic dissection (TAAD). Also called: Thoracic aortic aneurysms and dissections. Identifiers: Orphanet 91387, MedGen C4707243, MONDO:0019625.

Submission:

Ambry Genetics
Classification: Uncertain significance for Familial thoracic aortic aneurysm and aortic dissection. Last evaluated: 2021-08-26. Review status: criteria provided, single submitter. Criteria: Ambry Variant Classification Scheme 2023. Collection method: clinical testing. Allele origin: germline.
Comment: The p.D1698Y variant (also known as c.5092G>T), located in coding exon 27 of the NOTCH1 gene, results from a G to T substitution at nucleotide position 5092. The aspartic acid at codon 1698 is replaced by tyrosine, an amino acid with highly dissimilar properties. This amino acid position is conserved. In addition, the in silico prediction for this alteration is inconclusive. Since supporting evidence is limited at this time, the clinical significance of this alteration remains unclear.

NM_017617.5(NOTCH1):c.5092G>T (p.Asp1698Tyr)

Gene: NOTCH1 (notch receptor 1; minus strand). Cytogenetic location: 9q34.3.
Variant type: single nucleotide variant.
Coding change: c.5092G>T on transcript NM_017617.5 (MANE Select); coding-DNA position 5092, G replaced by T.
Protein change: p.Asp1698Tyr; replaces aspartic acid 1698 with tyrosine.
Molecular consequence: missense variant.
Genome position (GRCh38, 1-based): chr9:136,503,257, C>A on the plus strand (G>T on the coding strand, the complement: NOTCH1 is on the minus strand). VCF-style: chr9-136503257-C-A. GRCh37 (hg19) VCF-style: chr9-139397709-C-A.
Other names: short protein forms D1698Y.
Identifiers: ClinVar variation 1745284 (VCV001745284.2), dbSNP rs1417478070, ClinGen allele CA375642215.